The following is an entry in ClinVar:

NM_000059.4(BRCA2):c.9310A>T (p.Lys3104Ter)

Gene: BRCA2 (BRCA2 DNA repair associated; plus strand). Cytogenetic location: 13q13.1.
Variant type: single nucleotide variant.
Coding change: c.9310A>T on transcript NM_000059.4 (MANE Select); coding-DNA position 9310, A replaced by T.
Protein change: p.Lys3104Ter; replaces lysine 3104 with a stop codon.
Molecular consequence: nonsense.
Genome position (GRCh38, 1-based): chr13:32,394,742, A>T. VCF-style: chr13-32394742-A-T. GRCh37 (hg19) VCF-style: chr13-32968879-A-T.
Other names: short protein forms K3104*.
Identifiers: ClinVar variation 481612 (VCV000481612.16), dbSNP rs1555289521, ClinGen allele CA387760919.

ClinVar aggregate classification (germline): Pathogenic. Review status: criteria provided, multiple submitters, no conflicts (2 of 4 stars). 2 submissions from 2 submitters: Pathogenic (2). Last evaluated 2026-01-27.

Conditions:
Hereditary cancer-predisposing syndrome. Also called: Tumor predisposition; Hereditary Cancer Syndrome; Neoplastic Syndromes, Hereditary; Hereditary neoplastic syndrome. Identifiers: Orphanet 140162, MedGen C0027672, MeSH D009386, MONDO:0015356.
Hereditary breast ovarian cancer syndrome. Also called: Hereditary breast and/or ovarian cancer syndrome; Hereditary breast and ovarian cancer syndrome; Hereditary breast and ovarian cancer; Hereditary breast and ovarian cancer syndrome (HBOC); Breast and ovarian cancer; BRCA1- and BRCA2-Associated Hereditary Breast and Ovarian Cancer. Identifiers: Orphanet 145, MedGen C0677776, MeSH D061325, MONDO:0003582. Disease mechanism: loss of function.

Submissions (2):

Ambry Genetics
Classification: Pathogenic for Hereditary cancer-predisposing syndrome. Last evaluated: 2026-01-27. Review status: criteria provided, single submitter. Criteria: Ambry Variant Classification Scheme 2023. Collection method: clinical testing. Allele origin: germline.
Comment: The p.K3104* pathogenic mutation (also known as c.9310A>T), located in coding exon 24 of the BRCA2 gene, results from an A to T substitution at nucleotide position 9310. This changes the amino acid from a lysine to a stop codon within coding exon 24. This variant is considered to be rare based on population cohorts in the Genome Aggregation Database (gnomAD). This alteration is expected to result in loss of function by premature protein truncation or nonsense-mediated mRNA decay. As such, this alteration is interpreted as a disease-causing mutation.

Labcorp Genetics (formerly Invitae), Labcorp
Classification: Pathogenic for Hereditary breast ovarian cancer syndrome. Last evaluated: 2019-12-18. Review status: criteria provided, single submitter. Criteria: Invitae Variant Classification Sherloc (09022015). Collection method: clinical testing. Allele origin: germline.
Comment: Loss-of-function variants in BRCA2 are known to be pathogenic (PMID: 20104584). For these reasons, this variant has been classified as Pathogenic. This variant is not present in population databases (ExAC no frequency). This variant has been observed in individual(s) with ovarian cancer (PMID: 30078507). ClinVar contains an entry for this variant (Variation ID: 481612). This sequence change creates a premature translational stop signal (p.Lys3104*) in the BRCA2 gene. It is expected to result in an absent or disrupted protein product.

Literature cited by the submitters: PubMed 20104584 (cited by Labcorp Genetics (formerly Invitae), Labcorp); PubMed 30078507 (cited by Labcorp Genetics (formerly Invitae), Labcorp).